The following is an entry in ClinVar:

NM_030662.4(MAP2K2):c.422G>A (p.Gly141Glu)

Gene: MAP2K2 (mitogen-activated protein kinase kinase 2; minus strand). Cytogenetic location: 19p13.3.
Variant type: single nucleotide variant.
Coding change: c.422G>A on transcript NM_030662.4 (MANE Select); coding-DNA position 422, G replaced by A.
Protein change: p.Gly141Glu; replaces glycine 141 with glutamic acid.
Molecular consequence: missense variant.
Genome position (GRCh38, 1-based): chr19:4,110,537, C>T on the plus strand (G>A on the coding strand, the complement: MAP2K2 is on the minus strand). VCF-style: chr19-4110537-C-T. GRCh37 (hg19) VCF-style: chr19-4110535-C-T.
Other names: c.422G>A, p.Gly141Glu (NM_001440688.1); short protein forms G141E.
Identifiers: ClinVar variation 4531723 (VCV004531723.1).

ClinVar aggregate classification (germline): Uncertain significance (1 of 4 stars; one submission).

Conditions:
Cardiofaciocutaneous syndrome 4 (CFC4). Also called: MAP2K2-Related Cardiofaciocutaneous Syndrome. Identifiers: Orphanet 1340, MedGen C3809007, MONDO:0014114, OMIM 615280.

Submission:

Victorian Clinical Genetics Services, Murdoch Childrens Research Institute
Classification: Uncertain significance for Cardiofaciocutaneous syndrome 4. Last evaluated: 2025-08-11. Review status: criteria provided, single submitter. Criteria: ACMG Guidelines, 2015. Collection method: clinical testing. Allele origin: germline. Affected: yes.
Comment: This variant is classified as VUS-3A. Evidence in support of pathogenic classification: Variant is absent from gnomAD (v2, v3 and v4); Missense variant predicted to be damaging by in silico tool(s) or highly conserved with a major amino acid change; Additional information: Variant is predicted to result in a missense amino acid change from Gly to Glu; This variant is heterozygous; This gene is associated with autosomal dominant disease; Alternative amino acid change(s) at the same position are present in gnomAD (highest allele count: v4: 2 heterozygote(s), 0 homozygote(s)); This variant has no previous evidence of pathogenicity; No published evidence of segregation with disease has been identified for this variant; No published functional evidence has been identified for this variant; No comparable missense variants have previous evidence for pathogenicity; Variant is located in the annotated protein kinase domain (DECIPHER); Gain of function is a known mechanism of disease in this gene and is associated with cardiofaciocutaneous syndrome 4 (MIM#615280) (PMIDs: 18042262, 20358587).

Literature cited by the submitters: PubMed 20358587; PubMed 18042262.